The following is an entry in ClinVar:

ClinVar aggregate classification (germline): Uncertain significance (1 of 4 stars; one submission).

Conditions:
Hereditary cancer-predisposing syndrome. Also called: Hereditary Cancer Syndrome; Tumor predisposition; Hereditary neoplastic syndrome; Neoplastic Syndromes, Hereditary. Identifiers: Orphanet 140162, MedGen C0027672, MeSH D009386, MONDO:0015356.

Submission:

Ambry Genetics
Classification: Uncertain significance for Hereditary cancer-predisposing syndrome. Last evaluated: 2024-10-14. Review status: criteria provided, single submitter. Criteria: Ambry Variant Classification Scheme 2023. Collection method: clinical testing. Allele origin: germline.
Comment: The p.D174H variant (also known as c.520G>C), located in coding exon 1 of the MET gene, results from a G to C substitution at nucleotide position 520. The aspartic acid at codon 174 is replaced by histidine, an amino acid with similar properties. This amino acid position is conserved. In addition, the in silico prediction for this alteration is inconclusive. Based on the available evidence, the clinical significance of this variant remains unclear.

NM_000245.4(MET):c.520G>C (p.Asp174His)

Gene: MET (MET proto-oncogene, receptor tyrosine kinase; plus strand). Cytogenetic location: 7q31.2.
Variant type: single nucleotide variant.
Coding change: c.520G>C on transcript NM_000245.4 (MANE Select); coding-DNA position 520, G replaced by C.
Protein change: p.Asp174His; replaces aspartic acid 174 with histidine.
Molecular consequence: missense variant. On other transcripts: intron variant (1).
Genome position (GRCh38, 1-based): chr7:116,699,604, G>C. VCF-style: chr7-116699604-G-C. GRCh37 (hg19) VCF-style: chr7-116339658-G-C.
Other names: c.520G>C, p.Asp174His (NM_001127500.3, NM_001324401.3); c.-91+27027G>C (NM_001324402.2); short protein forms D174H.
Identifiers: ClinVar variation 3395173 (VCV003395173.1).
Genomic context (GRCh38, chr7:116,699,604, plus strand): 5'-ATACAGTCGGAGGTTCACTGCATATTCTCCCCACAGATAGAAGAGCCCAGCCAGTGTCCT[G>C]ACTGTGTGGTGAGCGCCCTGGGAGCCAAAGTCCTTTCATCTGTAAAGGACCGGTTCATCA-3'
Protein context (NP_000236.2, residues 164-184): PQIEEPSQCP[Asp174His]CVVSALGAKV